The following is an entry in ClinVar:

ClinVar aggregate classification (germline): Uncertain significance (1 of 4 stars; one submission).

gnomAD v4.1: 1 of 1,613,666 alleles (0.000062%); highest among the groups gnomAD compares: Middle Eastern, 0.016%; no homozygotes.

Submission:

Labcorp Genetics (formerly Invitae), Labcorp
Classification: Uncertain significance. Last evaluated: 2022-03-04. Review status: criteria provided, single submitter. Criteria: Invitae Variant Classification Sherloc (09022015). Collection method: clinical testing. Allele origin: germline.
Comment: This sequence change replaces methionine, which is neutral and non-polar, with threonine, which is neutral and polar, at codon 669 of the CEP78 protein (p.Met669Thr). This variant is not present in population databases (gnomAD no frequency). This variant has not been reported in the literature in individuals affected with CEP78-related conditions. Algorithms developed to predict the effect of missense changes on protein structure and function output the following: SIFT: "Tolerated"; PolyPhen-2: "Benign"; Align-GVGD: "Class C0". The threonine amino acid residue is found in multiple mammalian species, which suggests that this missense change does not adversely affect protein function. In summary, the available evidence is currently insufficient to determine the role of this variant in disease. Therefore, it has been classified as a Variant of Uncertain Significance.

NM_001330691.3(CEP78):c.2003T>C (p.Met668Thr)

Gene: CEP78 (centrosomal protein 78; plus strand). Cytogenetic location: 9q21.2.
Variant type: single nucleotide variant.
Coding change: c.2003T>C on transcript NM_001330691.3 (MANE Select); coding-DNA position 2003, T replaced by C.
Protein change: p.Met668Thr; replaces methionine 668 with threonine.
Molecular consequence: missense variant.
Genome position (GRCh38, 1-based): chr9:78,266,599, T>C. VCF-style: chr9-78266599-T-C. GRCh37 (hg19) VCF-style: chr9-80881515-T-C.
Other names: c.2006T>C, p.Met669Thr (NM_001098802.3, NM_001349839.2); c.1955T>C, p.Met652Thr (NM_001330693.3, NM_001330694.2); c.2003T>C, p.Met668Thr (NM_001349838.2); c.1958T>C, p.Met653Thr (NM_001349840.2, NM_032171.3); short protein forms M652T, M653T, M668T, M669T.
Identifiers: ClinVar variation 2105849 (VCV002105849.4), dbSNP rs2489545061, ClinGen allele CA373867483.